The following is an entry in ClinVar:

NM_006206.6(PDGFRA):c.2305A>G (p.Lys769Glu)

Gene: PDGFRA (platelet derived growth factor receptor alpha; plus strand). Cytogenetic location: 4q12.
Variant type: single nucleotide variant.
Coding change: c.2305A>G on transcript NM_006206.6 (MANE Select); coding-DNA position 2305, A replaced by G.
Protein change: p.Lys769Glu; replaces lysine 769 with glutamic acid.
Molecular consequence: missense variant.
Genome position (GRCh38, 1-based): chr4:54,280,464, A>G. VCF-style: chr4-54280464-A-G. GRCh37 (hg19) VCF-style: chr4-55146631-A-G.
Other names: c.2305A>G, p.Lys769Glu (NM_001347827.2, NM_001347829.2); c.2380A>G, p.Lys794Glu (NM_001347828.2); c.2344A>G, p.Lys782Glu (NM_001347830.2); short protein forms K769E, K782E, K794E.
Identifiers: ClinVar variation 1789349 (VCV001789349.3), dbSNP rs2475527808, ClinGen allele CA356894518.

ClinVar aggregate classification (germline): Uncertain significance. Review status: criteria provided, multiple submitters, no conflicts (2 of 4 stars). 2 submissions from 2 submitters: Uncertain significance (2). Last evaluated 2025-02-15.

Conditions:
Hereditary cancer-predisposing syndrome. Also called: Neoplastic Syndromes, Hereditary; Tumor predisposition; Hereditary Cancer Syndrome; Hereditary neoplastic syndrome. Identifiers: Orphanet 140162, MedGen C0027672, MeSH D009386, MONDO:0015356.
Gastrointestinal stromal tumor. Also called: Gastrointestinal stromal tumor, somatic; Gastrointestinal stroma tumor. Identifiers: Orphanet 44890, MedGen C0238198, MeSH D046152, MONDO:0011719, OMIM 606764, HP:0100723.

Submissions (2):

Labcorp Genetics (formerly Invitae), Labcorp
Classification: Uncertain significance for Gastrointestinal stromal tumor. Last evaluated: 2025-02-15. Review status: criteria provided, single submitter. Criteria: Invitae Variant Classification Sherloc (09022015). Collection method: clinical testing. Allele origin: germline.
Comment: This sequence change replaces lysine, which is basic and polar, with glutamic acid, which is acidic and polar, at codon 769 of the PDGFRA protein (p.Lys769Glu). This variant is not present in population databases (gnomAD no frequency). This variant has not been reported in the literature in individuals affected with PDGFRA-related conditions. ClinVar contains an entry for this variant (Variation ID: 1789349). Invitae Evidence Modeling of protein sequence and biophysical properties (such as structural, functional, and spatial information, amino acid conservation, physicochemical variation, residue mobility, and thermodynamic stability) indicates that this missense variant is not expected to disrupt PDGFRA protein function with a negative predictive value of 80%. In summary, the available evidence is currently insufficient to determine the role of this variant in disease. Therefore, it has been classified as a Variant of Uncertain Significance.

Ambry Genetics
Classification: Uncertain significance for Hereditary cancer-predisposing syndrome. Last evaluated: 2021-08-10. Review status: criteria provided, single submitter. Criteria: Ambry Variant Classification Scheme 2023. Collection method: clinical testing. Allele origin: germline.
Comment: The p.K769E variant (also known as c.2305A>G), located in coding exon 15 of the PDGFRA gene, results from an A to G substitution at nucleotide position 2305. The lysine at codon 769 is replaced by glutamic acid, an amino acid with similar properties. This amino acid position is conserved. In addition, the in silico prediction for this alteration is inconclusive. Since supporting evidence is limited at this time, the clinical significance of this alteration remains unclear.